The following is an entry in ClinVar:

ClinVar aggregate classification (germline): Uncertain significance. Review status: criteria provided, multiple submitters, no conflicts (2 of 4 stars). 3 submissions from 3 submitters: Uncertain significance (3). Last evaluated 2026-06-08.

Allele frequency attached by ClinVar (database versions not stated): gnomAD exomes 0.00001 and below 0.00001; TOPMed below 0.00001; ExAC 0.00001.
gnomAD v4.1: 2 of 1,613,862 alleles (0.00012%); highest among the groups gnomAD compares: Non-Finnish European, 0.00017%; no homozygotes.

Submissions (3):

Women's Health and Genetics/Laboratory Corporation of America, LabCorp
Classification: Uncertain significance. Last evaluated: 2026-06-08. Review status: criteria provided, single submitter. Criteria: LabCorp Variant Classification Summary - May 2015. Collection method: clinical testing. Allele origin: germline.

GeneDx
Classification: Uncertain significance. Last evaluated: 2014-08-03. Review status: criteria provided, single submitter. Criteria: GeneDx Variant Classification (06012015). Collection method: clinical testing. Allele origin: germline. Affected: yes.
Comment: Missense variants in the TTN gene are considered 'unclassified' if they are not previously reported in the literature and do not have >1% frequency in the population to be considered a polymorphism. Research indicates that truncating mutations in the TTN gene are expected to account for approximately 25% of familial and 18% of sporadic idiopathic DCM; however, truncating variants in the TTN gene have been reported in approximately 3% of reported control alleles. There has been little investigation into non-truncating variants. (Herman D et al. Truncations of titin causing dilated cardiomyopathy. N Eng J Med 366:619-628, 2012) The variant is found in CARDIOMYOPATHY panel(s).

Biesecker Lab/Clinical Genomics Section, National Institutes of Health
Classification: Uncertain significance. Last evaluated: 2013-06-24. Review status: criteria provided, single submitter. Criteria: Ng et al. (Circ Cardiovasc Genet. 2013). Collection method: research. Allele origin: unknown. Observed: 1 variant allele. Study: ClinSeq.
Comment: The study set was not selected for affection status in relation to any cancer. Pathogenicity categories were based on literature curation. See Pubmed ID:23861362 for details.

Medical sequencing

NM_001267550.2(TTN):c.94373A>G (p.Glu31458Gly)

Genes: TTN (titin; minus strand), TTN-AS1 (TTN antisense RNA 1; plus strand). Cytogenetic location: 2q31.2.
Variant type: single nucleotide variant.
Coding change: c.94373A>G on transcript NM_001267550.2 (MANE Select); coding-DNA position 94373, A replaced by G.
Protein change: p.Glu31458Gly; replaces glutamic acid 31458 with glycine.
Molecular consequence: missense variant.
Genome position (GRCh38, 1-based): chr2:178,547,152, T>C on the plus strand (A>G on the coding strand, the complement: TTN is on the minus strand). VCF-style: chr2-178547152-T-C. GRCh37 (hg19) VCF-style: chr2-179411879-T-C.
Other names: p.E29817G:GAA>GGA; c.89450A>G, p.Glu29817Gly (NM_001256850.1); c.67178A>G, p.Glu22393Gly (NM_003319.4); c.86669A>G, p.Glu28890Gly (NM_133378.4); c.67553A>G, p.Glu22518Gly (NM_133432.3); c.67754A>G, p.Glu22585Gly (NM_133437.4); short protein forms E28890G, E31458G, E29817G, E22585G, E22518G, E22393G.
Identifiers: ClinVar variation 191848 (VCV000191848.3), dbSNP rs763832963, ClinGen allele CA302415.
Genomic context (GRCh38, chr2:178,547,152, plus strand): 5'-TCCAGTCCTTCTACTAAACCAGTTACTTTGTAGTTGCACTCTAAGCATGGCACTTTGTTT[T>C]CTTTCACCCAAAGAATTGTATTACGTTCTTTCTTCTCAACCCAGTAGCCAATGATTTTAC-3'
Protein context (NP_001254479.2, residues 31448-31468): KERNTILWVK[Glu31458Gly]NKVPCLECNY